The following is an entry in ClinVar:

NM_000238.4(KCNH2):c.3321_3324del (p.Ser1109fs)

Gene: KCNH2 (potassium voltage-gated channel subfamily H member 2; minus strand). Cytogenetic location: 7q36.1.
Variant type: Deletion.
Coding change: c.3321_3324del on transcript NM_000238.4 (MANE Select); coding-DNA positions 3321 to 3324, 4 bases deleted (GCTT; older notation c.3321_3324delGCTT).
Protein change: p.Ser1109fs; shifts the reading frame from serine 1109.
Molecular consequence: frameshift variant. On other transcripts: non-coding transcript variant (2).
Genome position (GRCh38, 1-based): chr7:150,946,883-150,946,886, AAGC deleted on the plus strand (GCTT on the coding strand, the reverse complement: KCNH2 is on the minus strand). VCF-style (leftmost placement, unchanged base first): chr7-150946882-AAAGC-A. GRCh37 (hg19) VCF-style: chr7-150643970-AAAGC-A.
Other names: c.3033_3036del, p.Ser1013fs (NM_001406753.1); c.2301_2304del, p.Ser769fs (NM_172057.3); short protein forms S1013fs, S1109fs, S769fs.
Identifiers: ClinVar variation 4734217 (VCV004734217.1).

ClinVar aggregate classification (germline): Uncertain significance (1 of 4 stars; one submission).

Conditions:
Long QT syndrome (LQTS). Identifiers: MedGen C0023976, MeSH D008133, MONDO:0002442. Disease mechanism: loss of function. Inheritance: Various modes of inheritance.

Submission:

Labcorp Genetics (formerly Invitae), Labcorp
Classification: Uncertain significance for Long QT syndrome. Last evaluated: 2025-12-26. Review status: criteria provided, single submitter. Criteria: Invitae Variant Classification Sherloc (09022015). Collection method: clinical testing. Allele origin: germline.
Comment: This sequence change is expected to alter the c-terminus of the KCNH2 protein (p.Ser1109Argfs*145). While this is not anticipated to result in nonsense mediated decay, it is expected to disrupt the last 51 amino acid(s) of the KCNH2 protein and extend the protein by 93 additional amino acid residues. This variant is not present in population databases (gnomAD no frequency). This variant has not been reported in the literature in individuals affected with KCNH2-related conditions. Experimental studies and prediction algorithms are not available or were not evaluated, and the functional significance of this variant is currently unknown. In summary, the available evidence is currently insufficient to determine the role of this variant in disease. Therefore, it has been classified as a Variant of Uncertain Significance.